The following is an entry in ClinVar:

NM_006073.4(TRDN):c.1220-3C>T

Gene: TRDN (triadin; minus strand). Cytogenetic location: 6q22.31.
Variant type: single nucleotide variant.
Coding change: c.1220-3C>T on transcript NM_006073.4 (MANE Select); 3 bases into the intron before coding-DNA position 1220, C replaced by T.
Molecular consequence: intron variant.
Genome position (GRCh38, 1-based): chr6:123,377,745, G>A on the plus strand (C>T on the coding strand, the complement: TRDN is on the minus strand). VCF-style: chr6-123377745-G-A. GRCh37 (hg19) VCF-style: chr6-123698890-G-A.
Other names: c.1223-3C>T (NM_001251987.2).
Identifiers: ClinVar variation 510277 (VCV000510277.11), dbSNP rs773907258, ClinGen allele CA3984055.
Genomic context (GRCh38, chr6:123,377,745, plus strand): 5'-TTCGGAATCCAGCAACAGTGGTCTTACTCACCTGAGTGTTCTTTCTTTGGTGACTTTGCT[G>A]TATCAAAAAGGAAAGAAAAAAAAATCAGCATTCTATGTCATTCAATTGTAATTCAGTATT-3'

ClinVar aggregate classification (germline): Conflicting classifications of pathogenicity. Review status: criteria provided, conflicting classifications (1 of 4 stars). 3 submissions from 3 submitters: Uncertain significance (2); Likely benign (1). Last evaluated 2026-01-25.

Conditions:
Catecholaminergic polymorphic ventricular tachycardia 1. Also called: VENTRICULAR TACHYCARDIA, CATECHOLAMINERGIC POLYMORPHIC, 1, WITH OR WITHOUT ATRIAL DYSFUNCTION AND/OR DILATED CARDIOMYOPATHY; RYR2-Related Catecholaminergic Polymorphic Ventricular Tachycardia; VENTRICULAR TACHYCARDIA, STRESS-INDUCED POLYMORPHIC 1. Identifiers: Orphanet 3286, MedGen C1631597, MONDO:0011484, OMIM 604772.
Cardiovascular phenotype. Identifiers: MedGen CN230736.

Allele frequency attached by ClinVar (database versions not stated): ExAC 0.00001; gnomAD exomes 0.00002; TOPMed 0.00002.
gnomAD v4.1: 27 of 1,612,578 alleles (0.0017%); highest among the groups gnomAD compares: Non-Finnish European, 0.0022%; no homozygotes.

Submissions (3):

Labcorp Genetics (formerly Invitae), Labcorp
Classification: Uncertain significance for Catecholaminergic polymorphic ventricular tachycardia 1. Last evaluated: 2026-01-25. Review status: criteria provided, single submitter. Criteria: Invitae Variant Classification Sherloc (09022015). Collection method: clinical testing. Allele origin: germline.
Comment: This sequence change falls in intron 17 of the TRDN gene. It does not directly change the encoded amino acid sequence of the TRDN protein. It affects a nucleotide within the consensus splice site. This variant is present in population databases (rs773907258, gnomAD 0.005%). This variant has not been reported in the literature in individuals affected with TRDN-related conditions. ClinVar contains an entry for this variant (Variation ID: 510277). Variants that disrupt the consensus splice site are a relatively common cause of aberrant splicing (PMID: 17576681, 9536098). Algorithms developed to predict the effect of sequence changes on RNA splicing suggest that this variant is not likely to affect RNA splicing. In summary, the available evidence is currently insufficient to determine the role of this variant in disease. Therefore, it has been classified as a Variant of Uncertain Significance.

Ambry Genetics
Classification: Uncertain significance for Cardiovascular phenotype. Last evaluated: 2025-11-26. Review status: criteria provided, single submitter. Criteria: Ambry Variant Classification Scheme 2023. Collection method: clinical testing. Allele origin: germline.
Comment: The c.1220-3C>T intronic variant results from a C to T substitution 3 nucleotides upstream from coding exon 18 in the TRDN gene. This nucleotide position is well conserved in available vertebrate species. In silico splice site analysis predicts that this alteration will not have any significant effect on splicing. Since supporting evidence is limited at this time, the clinical significance of this alteration remains unclear.

GeneDx
Classification: Likely benign. Last evaluated: 2017-06-19. Review status: criteria provided, single submitter. Criteria: GeneDx Variant Classification (06012015). Collection method: clinical testing. Allele origin: germline. Affected: yes.
Comment: This variant is considered likely benign or benign based on one or more of the following criteria: it is a conservative change, it occurs at a poorly conserved position in the protein, it is predicted to be benign by multiple in silico algorithms, and/or has population frequency not consistent with disease.

Literature cited by the submitters: PubMed 17576681 (cited by Labcorp Genetics (formerly Invitae), Labcorp); PubMed 9536098 (cited by Labcorp Genetics (formerly Invitae), Labcorp).